The following is an entry in ClinVar:

NM_018127.7(ELAC2):c.1030G>A (p.Ala344Thr)

Gene: ELAC2 (elaC ribonuclease Z 2; minus strand). Cytogenetic location: 17p12.
Variant type: single nucleotide variant.
Coding change: c.1030G>A on transcript NM_018127.7 (MANE Select); coding-DNA position 1030, G replaced by A.
Protein change: p.Ala344Thr; replaces alanine 344 with threonine.
Molecular consequence: missense variant.
Genome position (GRCh38, 1-based): chr17:13,003,528, C>T on the plus strand (G>A on the coding strand, the complement: ELAC2 is on the minus strand). VCF-style: chr17-13003528-C-T. GRCh37 (hg19) VCF-style: chr17-12906845-C-T.
Other names: c.910G>A, p.Ala304Thr (NM_001165962.2); c.1030G>A, p.Ala344Thr (NM_173717.2); c.1030G>A (NM_018127.6); short protein forms A344T, A304T.
Identifiers: ClinVar variation 2039761 (VCV002039761.5), dbSNP rs986381760, ClinGen allele CA288084178.
Genomic context (GRCh38, chr17:13,003,528, plus strand): 5'-GGGCTCCATACCTCTCCATCCACTGCTGGTACCTGCTGTCCACAAGCACAGATGCTGGGG[C>T]CATGTGAACCACCAAGGCCACGGGGGCATCTGCCTTTCCTTGGTACCTGGGCAGAAGAGT-3'
Protein context (NP_060597.4, residues 334-354): DAPVALVVHM[Ala344Thr]PASVLVDSRY

ClinVar aggregate classification (germline): Uncertain significance. Review status: criteria provided, multiple submitters, no conflicts (2 of 4 stars). 2 submissions from 2 submitters: Uncertain significance (2). Last evaluated 2026-01-15.

Conditions:
Inborn genetic diseases. Identifiers: MedGen C0950123, MeSH D030342.
Combined oxidative phosphorylation defect type 17. Also called: Combined oxidative phosphorylation deficiency 17. Identifiers: Orphanet 369913, MedGen C3809526, MONDO:0014190, OMIM 615440.

Allele frequency attached by ClinVar (database versions not stated): gnomAD exomes 0.00001; gnomAD 0.00007; TOPMed 0.00007.

Submissions (2):

Labcorp Genetics (formerly Invitae), Labcorp
Classification: Uncertain significance for Combined oxidative phosphorylation defect type 17. Last evaluated: 2026-01-15. Review status: criteria provided, single submitter. Criteria: Invitae Variant Classification Sherloc (09022015). Collection method: clinical testing. Allele origin: germline.
Comment: This sequence change replaces alanine, which is neutral and non-polar, with threonine, which is neutral and polar, at codon 344 of the ELAC2 protein (p.Ala344Thr). This variant is present in population databases (no rsID available, gnomAD 0.01%). This variant has not been reported in the literature in individuals affected with ELAC2-related conditions. ClinVar contains an entry for this variant (Variation ID: 2039761). Invitae Evidence Modeling of protein sequence and biophysical properties (such as structural, functional, and spatial information, amino acid conservation, physicochemical variation, residue mobility, and thermodynamic stability) indicates that this missense variant is not expected to disrupt ELAC2 protein function with a negative predictive value of 80%. In summary, the available evidence is currently insufficient to determine the role of this variant in disease. Therefore, it has been classified as a Variant of Uncertain Significance.

Ambry Genetics
Classification: Uncertain significance for Inborn genetic diseases. Last evaluated: 2025-09-10. Review status: criteria provided, single submitter. Criteria: Ambry Variant Classification Scheme 2023. Collection method: clinical testing. Allele origin: germline.